The following is an entry in ClinVar:

NM_001376.5(DYNC1H1):c.7945G>A (p.Val2649Ile)

Gene: DYNC1H1 (dynein cytoplasmic 1 heavy chain 1; plus strand). Cytogenetic location: 14q32.31.
Variant type: single nucleotide variant.
Coding change: c.7945G>A on transcript NM_001376.5 (MANE Select); coding-DNA position 7945, G replaced by A.
Protein change: p.Val2649Ile; replaces valine 2649 with isoleucine.
Molecular consequence: missense variant.
Genome position (GRCh38, 1-based): chr14:102,017,184, G>A. VCF-style: chr14-102017184-G-A. GRCh37 (hg19) VCF-style: chr14-102483521-G-A.
Other names: short protein forms V2649I.
Identifiers: ClinVar variation 2978463 (VCV002978463.3), dbSNP rs2048333332, ClinGen allele CA391003722.

ClinVar aggregate classification (germline): Uncertain significance (1 of 4 stars; one submission).

Conditions:
Charcot-Marie-Tooth disease axonal type 2O. Also called: Charcot-Marie-Tooth disease, axonal, type 20; CHARCOT-MARIE-TOOTH NEUROPATHY, AXONAL, TYPE 2O; CHARCOT-MARIE-TOOTH DISEASE, AXONAL, AUTOSOMAL DOMINANT, TYPE 2O; Charcot-Marie-Tooth Neuropathy Type 2O. Identifiers: Orphanet 284232, MedGen C3280220, MONDO:0013644, OMIM 614228.

Allele frequency attached by ClinVar (database versions not stated): gnomAD exomes below 0.00001; TOPMed below 0.00001.
gnomAD v4.1: 1 of 1,614,240 alleles (0.000062%); no homozygotes.

Submission:

Labcorp Genetics (formerly Invitae), Labcorp
Classification: Uncertain significance for Charcot-Marie-Tooth disease axonal type 2O. Last evaluated: 2023-05-16. Review status: criteria provided, single submitter. Criteria: Invitae Variant Classification Sherloc (09022015). Collection method: clinical testing. Allele origin: germline.
Comment: This variant has not been reported in the literature in individuals affected with DYNC1H1-related conditions. This sequence change replaces valine, which is neutral and non-polar, with isoleucine, which is neutral and non-polar, at codon 2649 of the DYNC1H1 protein (p.Val2649Ile). This variant is not present in population databases (gnomAD no frequency). Advanced modeling of protein sequence and biophysical properties (such as structural, functional, and spatial information, amino acid conservation, physicochemical variation, residue mobility, and thermodynamic stability) performed at Invitae indicates that this missense variant is not expected to disrupt DYNC1H1 protein function. In summary, the available evidence is currently insufficient to determine the role of this variant in disease. Therefore, it has been classified as a Variant of Uncertain Significance.